The following is an entry in ClinVar:

NM_138477.4(CDAN1):c.278_279delinsAT (p.Ser93Asn)

Genes: CDAN1 (codanin 1; minus strand), LOC130056931 (ATAC-STARR-seq lymphoblastoid silent region 6376; plus strand). Cytogenetic location: 15q15.2.
Variant type: Indel.
Coding change: c.278_279delinsAT on transcript NM_138477.4 (MANE Select); coding-DNA positions 278 to 279, GC replaced by AT.
Protein change: p.Ser93Asn; replaces serine 93 with asparagine.
Molecular consequence: missense variant.
Genome position (GRCh38, 1-based): chr15:42,736,592-42,736,593, GC replaced by AT on the plus strand (GC replaced by AT on the coding strand, the reverse complement: CDAN1 is on the minus strand). VCF-style: chr15-42736592-GC-AT. GRCh37 (hg19) VCF-style: chr15-43028790-GC-AT.
Other names: short protein forms S93N.
Identifiers: ClinVar variation 1679451 (VCV001679451.12), dbSNP rs2140513573, ClinGen allele CA2573150892.
Genomic context (GRCh38, chr15:42,736,592, plus strand): 5'-GGCCTCGGCAGCGGTGCTCTGGGCCTCGGTCGGAGGGAAAAGCTGGCTGCGCGCCCCGCG[GC>AT]TACCCCGCGGCGGGCCTCCCGGCCTCCCTGGCAAGGCTGCCGAGGCGCCCGGGGTCTTGG-3'
Protein context (NP_612486.2, residues 83-103): PGRPGGPPRG[Ser93Asn]RGARSQLFPP

ClinVar aggregate classification (germline): Uncertain significance. Review status: criteria provided, multiple submitters, no conflicts (2 of 4 stars). 3 submissions from 3 submitters: Uncertain significance (3). Last evaluated 2025-11-03.

Conditions:
Anemia, congenital dyserythropoietic, type 1a (CDAN1A). Also called: CDAN1-Related Congenital Dyserythropoietic Anemia; DYSERYTHROPOIETIC ANEMIA, CONGENITAL, TYPE Ia. Identifiers: MedGen C5574667, MONDO:0009135, OMIM 224120.

Submissions (3):

Labcorp Genetics (formerly Invitae), Labcorp
Classification: Uncertain significance. Last evaluated: 2025-11-03. Review status: criteria provided, single submitter. Criteria: Invitae Variant Classification Sherloc (09022015). Collection method: clinical testing. Allele origin: germline.
Comment: This sequence change replaces serine, which is neutral and polar, with asparagine, which is neutral and polar, at codon 93 of the CDAN1 protein (p.Ser93Asn). This variant is present in population databases (no rsID available, gnomAD 0.006%). This variant has not been reported in the literature in individuals affected with CDAN1-related conditions. ClinVar contains an entry for this variant (Variation ID: 1679451). An algorithm developed to predict the effect of missense changes on protein structure and function (PolyPhen-2) suggests that this variant is likely to be tolerated. In summary, the available evidence is currently insufficient to determine the role of this variant in disease. Therefore, it has been classified as a Variant of Uncertain Significance.

St. Jude Molecular Pathology, St. Jude Children's Research Hospital
Classification: Uncertain significance for Anemia, congenital dyserythropoietic, type 1a. Last evaluated: 2024-05-27. Review status: criteria provided, single submitter. Criteria: St. Jude Assertion Criteria 2020. Collection method: clinical testing. Allele origin: germline.
Comment: The CDAN1 c.278_279delinsAT (p.Ser93Asn) is an in-frame deletion-insertion. The variant is observed in gnomAD; however, the minor allele frequency cannot be estimated with certainty. In silico evaluation of the impact of this variant on protein function cannot be determined, and functional studies have not been performed. This variant has not been reported in individuals with CDAN1-related congenital dyserythropoietic anemia. In summary, the evidence currently available is insufficient to determine the clinical significance of this variant. It has therefore been classified as of uncertain significance.

ARUP Laboratories, Molecular Genetics and Genomics, ARUP Laboratories
Classification: Uncertain significance for Anemia, congenital dyserythropoietic, type 1a. Last evaluated: 2022-01-26. Review status: criteria provided, single submitter. Criteria: ARUP Molecular Germline Variant Investigation Process 2021. Collection method: clinical testing. Allele origin: germline.